The following is an entry in ClinVar:

ClinVar aggregate classification (germline): Likely pathogenic. Review status: criteria provided, multiple submitters, no conflicts (2 of 4 stars). 5 submissions from 5 submitters: Likely pathogenic (4). 1 of the submissions does not count toward it. Last evaluated 2025-12-11.

Conditions:
ALPL-related disorder. Also called: ALPL-related disorders; ALPL-related condition.
Hypophosphatasia. Also called: Phosphoethanol-aminuria. Identifiers: Orphanet 436, MedGen C0020630, MeSH D007014, MONDO:0018570.
Infantile hypophosphatasia. Identifiers: Orphanet 247651, Orphanet 436, MedGen C0268412, MONDO:1010169, OMIM 241500, MONDO:0009427.

Allele frequency attached by ClinVar (database versions not stated): gnomAD exomes below 0.00001 and 0.00001; ExAC 0.00002.
gnomAD v4.1: 2 of 1,613,966 alleles (0.00012%); highest among the groups gnomAD compares: Non-Finnish European, 0.00017%; no homozygotes.

Submissions (5):

Labcorp Genetics (formerly Invitae), Labcorp
Classification: Likely pathogenic. Last evaluated: 2025-12-11. Review status: criteria provided, single submitter. Criteria: Invitae Variant Classification Sherloc (09022015). Collection method: clinical testing. Allele origin: germline.
Comment: This sequence change replaces histidine, which is basic and polar, with arginine, which is basic and polar, at codon 210 of the ALPL protein (p.His210Arg). This variant is present in population databases (rs748031071, gnomAD 0.002%). This missense change has been observed in individual(s) with clinical features of hypophosphatasia (PMID: 25731960, 34627339). ClinVar contains an entry for this variant (Variation ID: 556859). Invitae Evidence Modeling of protein sequence and biophysical properties (such as structural, functional, and spatial information, amino acid conservation, physicochemical variation, residue mobility, and thermodynamic stability) indicates that this missense variant is expected to disrupt ALPL protein function with a positive predictive value of 95%. Experimental studies have shown that this missense change affects ALPL function (PMID: 32160374). In summary, the currently available evidence indicates that the variant is pathogenic, but additional data are needed to prove that conclusively. Therefore, this variant has been classified as Likely Pathogenic.

Genomenon, Inc
Classification: Likely pathogenic for Hypophosphatasia. Last evaluated: 2025-08-29. Review status: criteria provided, single submitter. Criteria: Genomenon Sequence Variant Interpretation Standards. Collection method: curation. Allele origin: germline. Affected: yes.
Comment: ALPL c.629A>G is a missense variant that changes the amino acid at residue 210 from Histidine to Arginine. This variant has been observed in at least one proband affected with hypophosphatasia (PMID:25731960). At least one functional study has demonstrated a substantial alteration in protein function relative to the wild-type (PMID:32160374). It is absent or not present at a significant frequency in gnomAD. In silico models agree that this variant is possibly or probably damaging. In conclusion, we classify ALPL p.His210Arg (c.629A>G) as a likely pathogenic variant.

GeneDx
Classification: Likely pathogenic. Last evaluated: 2024-07-25. Review status: criteria provided, single submitter. Criteria: GeneDx Variant Classification Process June 2021. Collection method: clinical testing. Allele origin: germline. Affected: yes.
Comment: Reported in the published literature in two patients who each harbor a second ALPL missense variant; the phase of these variants is unknown (PMID: 25731960, 34627339); Published functional studies demonstrate a damaging effect by reducing the TNSALP enzymatic activity compared to wildtype (PMID: 32160374); In silico analysis indicates that this missense variant does not alter protein structure/function; Not observed at significant frequency in large population cohorts (gnomAD); This variant is associated with the following publications: (PMID: 32160374, 25731960, 34627339)

Blueprint Genetics
Classification: Likely pathogenic for ALPL-related disorders. Last evaluated: 2019-05-28. Review status: criteria provided, single submitter. Criteria: ACMG Guidelines, 2015. Collection method: clinical testing. Allele origin: germline. Affected: yes. Observed: 1 variant allele.

Counsyl
Classification: Uncertain significance for Infantile hypophosphatasia. Last evaluated: 2018-02-22. Review status: no assertion criteria provided. Collection method: clinical testing. Allele origin: unknown. Not counted in ClinVar's aggregate classification.

Literature cited by the submitters: PubMed 25731960 (cited by 3 submitters); PubMed 34627339 (cited by Labcorp Genetics (formerly Invitae), Labcorp); PubMed 32160374 (cited by Labcorp Genetics (formerly Invitae), Labcorp and Genomenon, Inc).

NM_000478.6(ALPL):c.629A>G (p.His210Arg)

Gene: ALPL (alkaline phosphatase, biomineralization associated; plus strand). Cytogenetic location: 1p36.12.
Variant type: single nucleotide variant.
Coding change: c.629A>G on transcript NM_000478.6 (MANE Select); coding-DNA position 629, A replaced by G.
Protein change: p.His210Arg; replaces histidine 210 with arginine.
Molecular consequence: missense variant.
Genome position (GRCh38, 1-based): chr1:21,564,197, A>G. VCF-style: chr1-21564197-A-G. GRCh37 (hg19) VCF-style: chr1-21890690-A-G.
Other names: c.464A>G, p.His155Arg (NM_001127501.4); c.398A>G, p.His133Arg (NM_001177520.3); c.629A>G, p.His210Arg (NM_001369803.2, NM_001369804.2, NM_001369805.2); short protein forms H210R, H155R, H133R.
Identifiers: ClinVar variation 556859 (VCV000556859.12), dbSNP rs748031071, ClinGen allele CA666542.
Genomic context (GRCh38, chr1:21,564,197, plus strand): 5'-ACGAGATGCCCCCTGAGGCCTTGAGCCAGGGCTGTAAGGACATCGCCTACCAGCTCATGC[A>G]TAACATCAGGGACATTGACGTGAGTGCTCGGGGGCAGCCGGGCAGGGACGGGGTGAGGCG-3'
Protein context (NP_000469.3, residues 200-220): GCKDIAYQLM[His210Arg]NIRDIDVIMG